The following is an entry in ClinVar:

ClinVar aggregate classification (germline): Likely benign. Review status: reviewed by expert panel (3 of 4 stars). 5 submissions from 5 submitters: Likely benign (1). 4 of the submissions do not count toward it. Last evaluated 2024-02-19.

Conditions:
RPE65-related recessive retinopathy. Also called: Recessive RPE65 retinopathy. Identifiers: MedGen CN305526, MONDO:0100368.
Retinitis pigmentosa 20 (RP20). Identifiers: Orphanet 791, MedGen C3151086, MONDO:0013425, OMIM 613794.
Leber congenital amaurosis 2 (LCA2). Also called: Autosomal Recessive RPE65-Related Retinal Degeneration; AMAUROSIS CONGENITA OF LEBER II. Identifiers: Orphanet 65, MedGen C1859844, MONDO:0008765, OMIM 204100. Disease mechanism: loss of function.
Leber congenital amaurosis (LCA). Also called: Leber's amaurosis. Identifiers: Orphanet 65, MedGen C0339527, MeSH D057130, MONDO:0018998.

Allele frequency attached by ClinVar (database versions not stated): TOPMed 0.00006; gnomAD 0.00007 and 0.00017; gnomAD exomes 0.00016 and 0.00032; ExAC 0.00041; 1000 Genomes Project 0.00160; 1000 Genomes Project 30x 0.00187.
gnomAD v4.1: 268 of 1,614,026 alleles (0.017%); highest among the groups gnomAD compares: South Asian, 0.17%; 3 homozygotes.

Submissions (5):

ClinGen Leber Congenital Amaurosis/early Onset Retinal Dystrophy Variant Curation Expert Panel, ClinGen
Classification: Likely benign for RPE65-related recessive retinopathy. Last evaluated: 2024-02-19. Review status: reviewed by expert panel. Criteria: ClinGen LCAeoRD ACMG Specifications RPE65 V1.0.0. Collection method: curation. Allele origin: germline. Inheritance: Autosomal recessive inheritance.
Comment: NM_000329.3(RPE65):c.585C>T is a synonymous variant in codon 195, near the center of exon 6. This variant is present in gnomAD v.2.1.1 at a GrpMax allele frequency of 0.001447, with 56 alleles / 30602 total alleles in the South Asian population (with 1 homozygote), which is higher than the ClinGen LCA / eoRD VCEP BS1 threshold of >0.0008 (BS1). The splicing impact predictor SpliceAI gives a delta score of 0.00, which is below the ClinGen LCA / eoRD VCEP recommended threshold of <0.1 and does not predict an impact on splicing (BP4, BP7). In summary, this variant meets the criteria to be classified as likely benign for RPE65-related recessive retinopathy based on the ACMG/AMP criteria applied, as specified by the ClinGen LCA / eoRD VCEP: BS1, BP4, BP7. (VCEP specifications version 1.0.0; date of approval 09/21/2023).

Labcorp Genetics (formerly Invitae), Labcorp
Classification: Benign for Leber congenital amaurosis 2; Retinitis pigmentosa 20. Last evaluated: 2026-01-06. Review status: criteria provided, single submitter. Criteria: Invitae Variant Classification Sherloc (09022015). Collection method: clinical testing. Allele origin: germline. Not counted in ClinVar's aggregate classification.

Blueprint Genetics
Classification: Likely benign. Last evaluated: 2024-11-19. Review status: criteria provided, single submitter. Criteria: ACMG Guidelines, 2015. Collection method: clinical testing. Allele origin: germline. Not counted in ClinVar's aggregate classification.

CeGaT Center for Human Genetics Tuebingen
Classification: Likely benign. Last evaluated: 2022-09-01. Review status: criteria provided, single submitter. Criteria: CeGaT Center For Human Genetics Tuebingen Variant Classification Criteria Version 2. Collection method: clinical testing. Allele origin: germline. Affected: yes. Observed: 1 variant allele. Not counted in ClinVar's aggregate classification.
Comment: RPE65: BP4, BP7

Natera, Inc.
Classification: Likely benign for Leber congenital amaurosis. Last evaluated: 2020-03-02. Review status: no assertion criteria provided. Collection method: clinical testing. Allele origin: germline. Not counted in ClinVar's aggregate classification.

NM_000329.3(RPE65):c.585C>T (p.Cys195=)

Gene: RPE65 (retinoid isomerohydrolase RPE65; minus strand). Cytogenetic location: 1p31.3.
Variant type: single nucleotide variant.
Coding change: c.585C>T on transcript NM_000329.3 (MANE Select); coding-DNA position 585, C replaced by T.
Protein change: p.Cys195=; no amino-acid change (cysteine 195 retained).
Molecular consequence: synonymous variant.
Genome position (GRCh38, 1-based): chr1:68,440,911, G>A on the plus strand (C>T on the coding strand, the complement: RPE65 is on the minus strand). VCF-style: chr1-68440911-G-A. GRCh37 (hg19) VCF-style: chr1-68906594-G-A.
Other names: NM_000329.3(RPE65):c.585C>T; p.Cys195=.
Identifiers: ClinVar variation 767598 (VCV000767598.36), dbSNP rs571111378, ClinGen allele CA902460.